The following is an entry in ClinVar:

NM_001011.4(RPS7):c.434G>A (p.Arg145His)

Gene: RPS7 (ribosomal protein S7; plus strand). Cytogenetic location: 2p25.3.
Variant type: single nucleotide variant.
Coding change: c.434G>A on transcript NM_001011.4 (MANE Select); coding-DNA position 434, G replaced by A.
Protein change: p.Arg145His; replaces arginine 145 with histidine.
Molecular consequence: missense variant.
Genome position (GRCh38, 1-based): chr2:3,580,187, G>A. VCF-style: chr2-3580187-G-A. GRCh37 (hg19) VCF-style: chr2-3627777-G-A.
Other names: c.434G>A (NM_001011.3); short protein forms R145H.
Identifiers: ClinVar variation 2042695 (VCV002042695.5), dbSNP rs1227689805, ClinGen allele CA345743496.

ClinVar aggregate classification (germline): Uncertain significance. Review status: criteria provided, multiple submitters, no conflicts (2 of 4 stars). 2 submissions from 2 submitters: Uncertain significance (2). Last evaluated 2025-10-27.

Conditions:
Diamond-Blackfan anemia 8 (DBA8). Also called: RPS7-Related Diamond-Blackfan Anemia. Identifiers: Orphanet 124, MedGen C2675511, MONDO:0012939, OMIM 612563.

Allele frequency attached by ClinVar (database versions not stated): TOPMed below 0.00001; gnomAD exomes 0.00001; gnomAD 0.00002.

Submissions (2):

Labcorp Genetics (formerly Invitae), Labcorp
Classification: Uncertain significance for Diamond-Blackfan anemia 8. Last evaluated: 2025-10-27. Review status: criteria provided, single submitter. Criteria: Invitae Variant Classification Sherloc (09022015). Collection method: clinical testing. Allele origin: germline.
Comment: This sequence change replaces arginine, which is basic and polar, with histidine, which is basic and polar, at codon 145 of the RPS7 protein (p.Arg145His). This variant is present in population databases (no rsID available, gnomAD 0.01%). This variant has not been reported in the literature in individuals affected with RPS7-related conditions. ClinVar contains an entry for this variant (Variation ID: 2042695). An algorithm developed to predict the effect of missense changes on protein structure and function (PolyPhen-2) suggests that this variant is likely to be tolerated. In summary, the available evidence is currently insufficient to determine the role of this variant in disease. Therefore, it has been classified as a Variant of Uncertain Significance.

Fulgent Genetics
Classification: Uncertain significance for Diamond-Blackfan anemia 8. Last evaluated: 2024-01-17. Review status: criteria provided, single submitter. Criteria: ACMG Guidelines, 2015. Collection method: clinical testing. Allele origin: germline.